The following is an entry in ClinVar:

ClinVar aggregate classification (germline): Benign/Likely benign. Review status: criteria provided, multiple submitters, no conflicts (2 of 4 stars). 8 submissions from 7 submitters: Benign (2); Likely benign (6). Last evaluated 2026-09-01.

Conditions:
Autosomal recessive Robinow syndrome (RRS1). Also called: COSTOVERTEBRAL SEGMENTATION DEFECT WITH MESOMELIA; COVESDEM SYNDROME; ROBINOW SYNDROME, AUTOSOMAL RECESSIVE 1; ROR2-Related Robinow Syndrome. Identifiers: Orphanet 1507, Orphanet 97360, MedGen C5399974, MONDO:0009999, OMIM 268310.
Brachydactyly type B1 (BDB1). Identifiers: Orphanet 572385, Orphanet 93383, MedGen C1862112, MONDO:0007220, OMIM 113000.

Allele frequency attached by ClinVar (database versions not stated): 1000 Genomes Project 0.00080; 1000 Genomes Project 30x 0.00094; gnomAD 0.00241; TOPMed 0.00254; gnomAD exomes 0.00269 and 0.00377; ExAC 0.00270; ESP Exome Variant Server 0.00354.
gnomAD v4.1: 5,832 of 1,613,978 alleles (0.36%); highest among the groups gnomAD compares: South Asian, 0.47%; 26 homozygotes.

Submissions (8):

CeGaT Center for Human Genetics Tuebingen
Classification: Likely benign. Last evaluated: 2026-09-01. Review status: criteria provided, single submitter. Criteria: CeGaT Center For Human Genetics Tuebingen Variant Classification Criteria Version 2. Collection method: clinical testing. Allele origin: germline. Affected: yes. Observed: 9 variant alleles.
Comment: ROR2: BP4, BP7, BS2

Labcorp Genetics (formerly Invitae), Labcorp
Classification: Benign. Last evaluated: 2026-01-20. Review status: criteria provided, single submitter. Criteria: Invitae Variant Classification Sherloc (09022015). Collection method: clinical testing. Allele origin: germline.

Fulgent Genetics
Classification: Likely benign for Brachydactyly type B1; Autosomal recessive Robinow syndrome. Last evaluated: 2021-08-30. Review status: criteria provided, single submitter. Criteria: ACMG Guidelines, 2015. Collection method: clinical testing. Allele origin: unknown.

Illumina Laboratory Services, Illumina
Classification: Likely benign for Autosomal recessive Robinow syndrome. Last evaluated: 2018-01-13. Review status: criteria provided, single submitter. Criteria: ICSL Variant Classification Criteria 13 December 2019. Collection method: clinical testing. Allele origin: germline.
Comment: This variant was observed in the ICSL laboratory as part of a predisposition screen in an ostensibly healthy population. It had not been previously curated by ICSL or reported in the Human Gene Mutation Database (HGMD: prior to June 1st, 2018), and was therefore a candidate for classification through an automated scoring system. Utilizing variant allele frequency, disease prevalence and penetrance estimates, and inheritance mode, an automated score was calculated to assess if this variant is too frequent to cause the disease. Based on the score and internal cut-off values, a variant classified as likely benign is not then subjected to further curation. The score for this variant resulted in a classification of likely benign for this disease.

Illumina Laboratory Services, Illumina
Classification: Benign for Brachydactyly type B1. Last evaluated: 2018-01-13. Review status: criteria provided, single submitter. Criteria: ICSL Variant Classification Criteria 13 December 2019. Collection method: clinical testing. Allele origin: germline.
Comment: This variant was observed in the ICSL laboratory as part of a predisposition screen in an ostensibly healthy population. It had not been previously curated by ICSL or reported in the Human Gene Mutation Database (HGMD: prior to June 1st, 2018), and was therefore a candidate for classification through an automated scoring system. Utilizing variant allele frequency, disease prevalence and penetrance estimates, and inheritance mode, an automated score was calculated to assess if this variant is too frequent to cause the disease. Based on the score and internal cut-off values, a variant classified as benign is not then subjected to further curation. The score for this variant resulted in a classification of benign for this disease.

Eurofins Ntd Llc (ga)
Classification: Likely benign. Last evaluated: 2017-04-12. Review status: criteria provided, single submitter. Criteria: EGL Classification Definitions 2015. Collection method: clinical testing. Allele origin: germline. Observed: 4 variant alleles, 4 heterozygotes.

Breakthrough Genomics
Classification: Likely benign. Review status: criteria provided, single submitter. Criteria: ACMG Guidelines, 2015. Collection method: not provided. Allele origin: germline. Inheritance: Autosomal recessive inheritance. Affected: yes.

PreventionGenetics, part of Exact Sciences
Classification: Likely benign. Review status: criteria provided, single submitter. Criteria: ACMG Guidelines, 2015. Collection method: clinical testing. Allele origin: germline.

NM_004560.4(ROR2):c.372C>T (p.Asp124=)

Gene: ROR2 (ROR family WNT receptor 2; minus strand). Cytogenetic location: 9q22.31.
Variant type: single nucleotide variant.
Coding change: c.372C>T on transcript NM_004560.4 (MANE Select); coding-DNA position 372, C replaced by T.
Protein change: p.Asp124=; no amino-acid change (aspartic acid 124 retained).
Molecular consequence: synonymous variant.
Genome position (GRCh38, 1-based): chr9:91,757,363, G>A on the plus strand (C>T on the coding strand, the complement: ROR2 is on the minus strand). VCF-style: chr9-91757363-G-A. GRCh37 (hg19) VCF-style: chr9-94519645-G-A.
Other names: c.372C>T, p.Asp124= (NM_001318204.2).
Identifiers: ClinVar variation 196393 (VCV000196393.46), dbSNP rs145568368, ClinGen allele CA243330.
Genomic context (GRCh38, chr9:91,757,363, plus strand): 5'-AATGGTCTTCATCCCGTTGGTGGCCACGCACTGGTAGTAGCCAGTGTCTGTCGTGTCCAG[G>A]TCCTGGATTCGCAGTCGTGAACCATATTCTGTCTTCCGGATGATGATCCGCCGCGGCTCC-3'
Protein context (NP_004551.2, residues 114-134): TEYGSRLRIQ[Asp124=]LDTTDTGYYQ